The following is an entry in ClinVar:

NM_013432.5(TONSL):c.1106A>G (p.His369Arg)

Gene: TONSL (tonsoku like, DNA repair protein; minus strand). Cytogenetic location: 8q24.3.
Variant type: single nucleotide variant.
Coding change: c.1106A>G on transcript NM_013432.5 (MANE Select); coding-DNA position 1106, A replaced by G.
Protein change: p.His369Arg; replaces histidine 369 with arginine.
Molecular consequence: missense variant.
Genome position (GRCh38, 1-based): chr8:144,440,776, T>C on the plus strand (A>G on the coding strand, the complement: TONSL is on the minus strand). VCF-style: chr8-144440776-T-C. GRCh37 (hg19) VCF-style: chr8-145666159-T-C.
Other names: c.1106A>G (NM_013432.4); short protein forms H369R.
Identifiers: ClinVar variation 1383511 (VCV001383511.7), dbSNP rs200081517, ClinGen allele CA4943392.
Genomic context (GRCh38, chr8:144,440,776, plus strand): 5'-ACCTCCAGCACGTTGCCGCTGCGCAGCCTCAGTTCCTCCTCATAGTGGCGCACGGCCCCA[T>C]GGTGGTCCTTCATGTCTCCCAGTGTGGTGGCCAGGGACACGTGGATGATGGCCCGCTCAG-3'
Protein context (NP_038460.4, residues 359-379): ATTLGDMKDH[His369Arg]GAVRHYEEEL

ClinVar aggregate classification (germline): Conflicting classifications of pathogenicity. Review status: criteria provided, conflicting classifications (1 of 4 stars). 3 submissions from 3 submitters: Uncertain significance (2); Likely benign (1). Last evaluated 2025-02-19.

Conditions:
Inborn genetic diseases. Identifiers: MedGen C0950123, MeSH D030342.

Allele frequency attached by ClinVar (database versions not stated): 1000 Genomes Project 30x 0.00016; ExAC 0.00001; gnomAD 0.00011; gnomAD exomes 0.00001; TOPMed 0.00005; 1000 Genomes Project 0.00020.

Submissions (3):

Ambry Genetics
Classification: Likely benign for Inborn genetic diseases. Last evaluated: 2025-02-19. Review status: criteria provided, single submitter. Criteria: Ambry Variant Classification Scheme 2023. Collection method: clinical testing. Allele origin: germline.

Labcorp Genetics (formerly Invitae), Labcorp
Classification: Uncertain significance. Last evaluated: 2022-08-19. Review status: criteria provided, single submitter. Criteria: Invitae Variant Classification Sherloc (09022015). Collection method: clinical testing. Allele origin: germline.
Comment: This sequence change replaces histidine, which is basic and polar, with arginine, which is basic and polar, at codon 369 of the TONSL protein (p.His369Arg). This variant is present in population databases (rs200081517, gnomAD 0.02%). This variant has not been reported in the literature in individuals affected with TONSL-related conditions. ClinVar contains an entry for this variant (Variation ID: 1383511). Algorithms developed to predict the effect of missense changes on protein structure and function output the following: SIFT: "Tolerated"; PolyPhen-2: "Benign"; Align-GVGD: "Class C0". The arginine amino acid residue is found in multiple mammalian species, which suggests that this missense change does not adversely affect protein function. In summary, the available evidence is currently insufficient to determine the role of this variant in disease. Therefore, it has been classified as a Variant of Uncertain Significance.

Breakthrough Genomics
Classification: Uncertain significance. Review status: criteria provided, single submitter. Criteria: ACMG Guidelines, 2015. Collection method: not provided. Allele origin: germline. Inheritance: Autosomal recessive inheritance. Affected: yes.